The following is an entry in ClinVar:

ClinVar aggregate classification (germline): Likely benign. Review status: criteria provided, multiple submitters, no conflicts (2 of 4 stars). 2 submissions from 2 submitters: Likely benign (2). Last evaluated 2025-05-01.

Submissions (2):

CeGaT Center for Human Genetics Tuebingen
Classification: Likely benign. Last evaluated: 2025-05-01. Review status: criteria provided, single submitter. Criteria: CeGaT Center For Human Genetics Tuebingen Variant Classification Criteria Version 2. Collection method: clinical testing. Allele origin: germline. Affected: yes. Observed: 3 variant alleles.
Comment: DSPP: BP4, BP7

Blueprint Genetics
Classification: Likely benign. Last evaluated: 2024-01-09. Review status: criteria provided, single submitter. Criteria: ACMG Guidelines, 2015. Collection method: clinical testing. Allele origin: germline.

NM_014208.3(DSPP):c.3111T>C (p.Ser1037=)

Genes: DMP1-AS1 (DMP1 and DSPP antisense RNA 1; minus strand), DSPP (dentin sialophosphoprotein; plus strand). Cytogenetic location: 4q22.1.
Variant type: single nucleotide variant.
Coding change: c.3111T>C on transcript NM_014208.3 (MANE Select); coding-DNA position 3111, T replaced by C.
Protein change: p.Ser1037=; no amino-acid change (serine 1037 retained).
Molecular consequence: synonymous variant.
Genome position (GRCh38, 1-based): chr4:87,615,773, T>C. VCF-style: chr4-87615773-T-C. GRCh37 (hg19) VCF-style: chr4-88536925-T-C.
Identifiers: ClinVar variation 3388133 (VCV003388133.15).